The following is an entry in ClinVar:

ClinVar aggregate classification (germline): Conflicting classifications of pathogenicity. Review status: criteria provided, conflicting classifications (1 of 4 stars). 2 submissions from 2 submitters: Likely pathogenic (1); Uncertain significance (1). Last evaluated 2026-04-16.

Submissions (2):

Dasa
Classification: Uncertain significance. Last evaluated: 2026-04-16. Review status: criteria provided, single submitter. Criteria: DASA Assertion Criteria. Collection method: clinical testing. Allele origin: germline.
Comment: NM_000193.4(SHH):c.1335G>A (p.Trp445*) is a nonsense variant in SHH predicted to introduce a premature termination codon and is predicted to result in an absent or altered protein product. This variant is rare in population databases. The currently available literature and clinical evidence are not sufficient to establish a definitive association between this variant and the reported condition. Therefore, this variant is classified as a variant of uncertain significance.

CeGaT Center for Human Genetics Tuebingen
Classification: Likely pathogenic. Last evaluated: 2022-01-01. Review status: criteria provided, single submitter. Criteria: CeGaT Center For Human Genetics Tuebingen Variant Classification Criteria Version 2. Collection method: clinical testing. Allele origin: germline. Affected: yes. Observed: 1 variant allele.

NM_000193.4(SHH):c.1335G>A (p.Trp445Ter)

Gene: SHH (sonic hedgehog signaling molecule; minus strand). Cytogenetic location: 7q36.3.
Variant type: single nucleotide variant.
Coding change: c.1335G>A on transcript NM_000193.4 (MANE Select); coding-DNA position 1335, G replaced by A.
Protein change: p.Trp445Ter; replaces tryptophan 445 with a stop codon.
Molecular consequence: nonsense. On other transcripts: intron variant (1).
Genome position (GRCh38, 1-based): chr7:155,802,954, C>T on the plus strand (G>A on the coding strand, the complement: SHH is on the minus strand). VCF-style: chr7-155802954-C-T. GRCh37 (hg19) VCF-style: chr7-155595648-C-T.
Other names: c.302-2709G>A (NM_001310462.2); short protein forms W445*.
Identifiers: ClinVar variation 1676094 (VCV001676094.35), dbSNP rs2117124779, ClinGen allele CA370143916.